The following is an entry in ClinVar:

NM_033026.6(PCLO):c.8720G>A (p.Arg2907Lys)

Gene: PCLO (piccolo presynaptic cytomatrix protein; minus strand). Cytogenetic location: 7q21.11.
Variant type: single nucleotide variant.
Coding change: c.8720G>A on transcript NM_033026.6 (MANE Select); coding-DNA position 8720, G replaced by A.
Protein change: p.Arg2907Lys; replaces arginine 2907 with lysine.
Molecular consequence: missense variant.
Genome position (GRCh38, 1-based): chr7:82,952,233, C>T on the plus strand (G>A on the coding strand, the complement: PCLO is on the minus strand). VCF-style: chr7-82952233-C-T. GRCh37 (hg19) VCF-style: chr7-82581549-C-T.
Other names: c.8720G>A, p.Arg2907Lys (NM_014510.3); short protein forms R2907K.
Identifiers: ClinVar variation 1358704 (VCV001358704.8), dbSNP rs2116432296, ClinGen allele CA367910267.
Genomic context (GRCh38, chr7:82,952,233, plus strand): 5'-TCATCTTCTATTATTTTGGTCATCACACTTGAAGTAGACTCATCCATTGTTACGACTGTT[C>T]TGTGAGACTTGGTTGTACTGAGATCCACTACTTCCCCATCAGTGATTCCCTGGGATACGG-3'
Protein context (NP_149015.2, residues 2897-2917): VVDLSTTKSH[Arg2907Lys]TVVTMDESTS

ClinVar aggregate classification (germline): Uncertain significance (1 of 4 stars; one submission).

gnomAD v4.1: 1 of 1,613,846 alleles (0.000062%); no homozygotes.

Submission:

Labcorp Genetics (formerly Invitae), Labcorp
Classification: Uncertain significance. Last evaluated: 2024-01-17. Review status: criteria provided, single submitter. Criteria: Invitae Variant Classification Sherloc (09022015). Collection method: clinical testing. Allele origin: germline.
Comment: This sequence change replaces arginine, which is basic and polar, with lysine, which is basic and polar, at codon 2907 of the PCLO protein (p.Arg2907Lys). This variant is not present in population databases (gnomAD no frequency). This variant has not been reported in the literature in individuals affected with PCLO-related conditions. ClinVar contains an entry for this variant (Variation ID: 1358704). Experimental studies and prediction algorithms are not available or were not evaluated, and the functional significance of this variant is currently unknown. In summary, the available evidence is currently insufficient to determine the role of this variant in disease. Therefore, it has been classified as a Variant of Uncertain Significance.